The following is an entry in ClinVar:

NM_004329.3(BMPR1A):c.242A>G (p.His81Arg)

Gene: BMPR1A (bone morphogenetic protein receptor type 1A; plus strand). Cytogenetic location: 10q23.2.
Variant type: single nucleotide variant.
Coding change: c.242A>G on transcript NM_004329.3 (MANE Select); coding-DNA position 242, A replaced by G.
Protein change: p.His81Arg; replaces histidine 81 with arginine.
Molecular consequence: missense variant.
Genome position (GRCh38, 1-based): chr10:86,892,138, A>G. VCF-style: chr10-86892138-A-G. GRCh37 (hg19) VCF-style: chr10-88651895-A-G.
Other names: short protein forms H81R.
Identifiers: ClinVar variation 418631 (VCV000418631.12), dbSNP rs1064793333, ClinGen allele CA16619000.

ClinVar aggregate classification (germline): Uncertain significance. Review status: criteria provided, multiple submitters, no conflicts (2 of 4 stars). 4 submissions from 4 submitters: Uncertain significance (4). Last evaluated 2025-12-08.

Conditions:
Juvenile polyposis syndrome (JPS). Identifiers: Orphanet 2929, MedGen C0345893, MONDO:0017380, OMIM 174900.
Hereditary cancer-predisposing syndrome. Also called: Tumor predisposition; Neoplastic Syndromes, Hereditary; Hereditary Cancer Syndrome; Hereditary neoplastic syndrome. Identifiers: Orphanet 140162, MedGen C0027672, MeSH D009386, MONDO:0015356.

Submissions (4):

Color Diagnostics, LLC DBA Color Health
Classification: Uncertain significance for Hereditary cancer-predisposing syndrome. Last evaluated: 2025-12-08. Review status: criteria provided, single submitter. Criteria: ACMG Guidelines, 2015. Collection method: clinical testing. Allele origin: germline.
Comment: This missense variant replaces histidine with arginine at codon 81 of the BMPR1A protein. Computational prediction suggests that this variant may not impact protein structure and function. To our knowledge, functional studies have not been reported for this variant. This variant has not been reported in individuals affected with BMPR1A-related disorders in the literature. This variant has not been identified in the general population by the Genome Aggregation Database (gnomAD). The available evidence is insufficient to determine the role of this variant in disease conclusively. Therefore, this variant is classified as a Variant of Uncertain Significance.

Ambry Genetics
Classification: Uncertain significance for Hereditary cancer-predisposing syndrome. Last evaluated: 2025-08-20. Review status: criteria provided, single submitter. Criteria: Ambry Variant Classification Scheme 2023. Collection method: clinical testing. Allele origin: germline.
Comment: The p.H81R variant (also known as c.242A>G), located in coding exon 3 of the BMPR1A gene, results from an A to G substitution at nucleotide position 242. The histidine at codon 81 is replaced by arginine, an amino acid with highly similar properties. This amino acid position is conserved. In addition, the in silico prediction for this alteration is inconclusive. Based on the available evidence, the clinical significance of this variant remains unclear.

Labcorp Genetics (formerly Invitae), Labcorp
Classification: Uncertain significance for Juvenile polyposis syndrome. Last evaluated: 2023-12-22. Review status: criteria provided, single submitter. Criteria: Invitae Variant Classification Sherloc (09022015). Collection method: clinical testing. Allele origin: germline.
Comment: This sequence change replaces histidine, which is basic and polar, with arginine, which is basic and polar, at codon 81 of the BMPR1A protein (p.His81Arg). This variant is not present in population databases (gnomAD no frequency). This variant has not been reported in the literature in individuals affected with BMPR1A-related conditions. ClinVar contains an entry for this variant (Variation ID: 418631). Advanced modeling of protein sequence and biophysical properties (such as structural, functional, and spatial information, amino acid conservation, physicochemical variation, residue mobility, and thermodynamic stability) performed at Invitae indicates that this missense variant is not expected to disrupt BMPR1A protein function with a negative predictive value of 95%. In summary, the available evidence is currently insufficient to determine the role of this variant in disease. Therefore, it has been classified as a Variant of Uncertain Significance.

GeneDx
Classification: Uncertain significance. Last evaluated: 2017-02-09. Review status: criteria provided, single submitter. Criteria: GeneDx Variant Classification (06012015). Collection method: clinical testing. Allele origin: germline. Affected: yes.
Comment: This variant is denoted BMPR1A c.242A>G at the cDNA level, p.His81Arg (H81R) at the protein level, and results in the change of a Histidine to an Arginine (CAT>CGT). This variant has not, to our knowledge, been published in the literature as pathogenic or benign. BMPR1A His81Arg was not observed in approximately 6,500 individuals of European and African American ancestry in the NHLBI Exome Sequencing Project, suggesting it is not a common benign variant in these populations. Since Histidine and Arginine share similar properties, this is considered a conservative amino acid substitution. BMPR1A His81Arg occurs at a position that is conserved in mammals and is located in the MH1 domain and the cysteine-rich domain (Howe 2004). In silico analyses are inconsistent regarding the effect this variant may have on protein structure and function. Based on currently available evidence, it is unclear whether BMPR1A His81Arg is a pathogenic or benign variant. We consider it to be a variant of uncertain significance.